The following is an entry in ClinVar:

ClinVar aggregate classification (germline): Conflicting classifications of pathogenicity. Review status: criteria provided, conflicting classifications (1 of 4 stars). 2 submissions from 2 submitters: Uncertain significance (1); Likely benign (1). Last evaluated 2026-05-03.

Conditions:
NPHP1-related disorder. Also called: NPHP1-related condition; NPHP1-related disorders.

gnomAD v4.1: 6 of 1,613,926 alleles (0.00037%); highest among the groups gnomAD compares: East Asian, 0.0089%; no homozygotes.

Submissions (2):

PreventionGenetics, part of Exact Sciences
Classification: Uncertain significance for NPHP1-related condition. Last evaluated: 2026-05-03. Review status: criteria provided, single submitter. Criteria: ACMG Guidelines, 2015. Collection method: clinical testing. Allele origin: germline.
Comment: The NPHP1 c.22G>A variant is predicted to result in the amino acid substitution p.Asp8Asn. To our knowledge, this variant has not been reported in the literature. This variant is reported in 0.022% of alleles in individuals of East Asian descent in gnomAD. At this time, the clinical significance of this variant is uncertain due to the absence of conclusive functional and genetic evidence.

Blueprint Genetics
Classification: Likely benign. Last evaluated: 2024-10-08. Review status: criteria provided, single submitter. Criteria: ACMG Guidelines, 2015. Collection method: clinical testing. Allele origin: germline.

NM_001128178.3(NPHP1):c.22G>A (p.Asp8Asn)

Gene: NPHP1 (nephrocystin 1; minus strand). Cytogenetic location: 2q13.
Variant type: single nucleotide variant.
Coding change: c.22G>A on transcript NM_001128178.3 (MANE Select); coding-DNA position 22, G replaced by A.
Protein change: p.Asp8Asn; replaces aspartic acid 8 with asparagine.
Molecular consequence: missense variant.
Genome position (GRCh38, 1-based): chr2:110,204,947, C>T on the plus strand (G>A on the coding strand, the complement: NPHP1 is on the minus strand). VCF-style: chr2-110204947-C-T. GRCh37 (hg19) VCF-style: chr2-110962524-C-T.
Other names: c.22G>A (NM_000272.3); c.22G>A, p.Asp8Asn (NM_000272.5, NM_001128179.3, NM_001374256.1 and 2 more transcripts); short protein forms D8N.
Identifiers: ClinVar variation 4956448 (VCV004956448.2).